The following is an entry in ClinVar:

ClinVar aggregate classification (germline): Benign/Likely benign. Review status: criteria provided, multiple submitters, no conflicts (2 of 4 stars). 5 submissions from 5 submitters: Benign (1); Likely benign (3). 1 of the submissions does not count toward it. Last evaluated 2026-01-20.

Conditions:
Carnitine palmitoyl transferase 1A deficiency. Also called: CPT deficiency, hepatic, type IA; Carnitine palmitoyltransferase 1A deficiency; Carnitine palmitoyltransferase type I deficiency; CPT I DEFICIENCY; CPT DEFICIENCY, HEPATIC, TYPE I. Identifiers: Orphanet 156, MedGen C1829703, MONDO:0009705, OMIM 255120.

Allele frequency attached by ClinVar (database versions not stated): TOPMed 0.00044; gnomAD exomes 0.00047 and 0.00020; ESP Exome Variant Server 0.00031; ExAC 0.00033; 1000 Genomes Project 30x 0.00016; 1000 Genomes Project 0.00020; gnomAD 0.00038 and 0.00039.
gnomAD v4.1: 380 of 1,614,118 alleles (0.024%); highest among the groups gnomAD compares: Admixed American, 0.057%; 2 homozygotes.

Submissions (5):

Labcorp Genetics (formerly Invitae), Labcorp
Classification: Benign for Carnitine palmitoyl transferase 1A deficiency. Last evaluated: 2026-01-20. Review status: criteria provided, single submitter. Criteria: Invitae Variant Classification Sherloc (09022015). Collection method: clinical testing. Allele origin: germline.

Blueprint Genetics
Classification: Likely benign. Last evaluated: 2024-09-18. Review status: criteria provided, single submitter. Criteria: ACMG Guidelines, 2015. Collection method: clinical testing. Allele origin: germline.

CeGaT Center for Human Genetics Tuebingen
Classification: Likely benign. Last evaluated: 2024-05-01. Review status: criteria provided, single submitter. Criteria: CeGaT Center For Human Genetics Tuebingen Variant Classification Criteria Version 2. Collection method: clinical testing. Allele origin: germline. Affected: yes. Observed: 1 variant allele.
Comment: CPT1A: BP4, BP7

ARUP Laboratories, Molecular Genetics and Genomics, ARUP Laboratories
Classification: Likely benign for Carnitine palmitoyl transferase 1A deficiency. Last evaluated: 2022-03-04. Review status: criteria provided, single submitter. Criteria: ARUP Molecular Germline Variant Investigation Process 2021. Collection method: clinical testing. Allele origin: germline.

Natera, Inc.
Classification: Likely benign for Carnitine palmitoyltransferase type I deficiency. Last evaluated: 2019-10-24. Review status: no assertion criteria provided. Collection method: clinical testing. Allele origin: germline. Not counted in ClinVar's aggregate classification.

NM_001876.4(CPT1A):c.336C>T (p.Thr112=)

Gene: CPT1A (carnitine palmitoyltransferase 1A; minus strand). Cytogenetic location: 11q13.3.
Variant type: single nucleotide variant.
Coding change: c.336C>T on transcript NM_001876.4 (MANE Select); coding-DNA position 336, C replaced by T.
Protein change: p.Thr112=; no amino-acid change (threonine 112 retained).
Molecular consequence: synonymous variant.
Genome position (GRCh38, 1-based): chr11:68,807,584, G>A on the plus strand (C>T on the coding strand, the complement: CPT1A is on the minus strand). VCF-style: chr11-68807584-G-A. GRCh37 (hg19) VCF-style: chr11-68575052-G-A.
Other names: c.336C>T, p.Thr112= (NM_001031847.3).
Identifiers: ClinVar variation 730933 (VCV000730933.41), dbSNP rs61731902, ClinGen allele CA6152703.